The following is an entry in ClinVar:

ClinVar aggregate classification (germline): Uncertain significance (1 of 4 stars; one submission).

Conditions:
Familial cold autoinflammatory syndrome 2 (FCAS2). Identifiers: Orphanet 247868, MedGen C2673198, MONDO:0012724, OMIM 611762.

Allele frequency attached by ClinVar (database versions not stated): gnomAD exomes below 0.00001 and 0.00001.

Submission:

Labcorp Genetics (formerly Invitae), Labcorp
Classification: Uncertain significance for Familial cold autoinflammatory syndrome 2. Last evaluated: 2023-03-23. Review status: criteria provided, single submitter. Criteria: Invitae Variant Classification Sherloc (09022015). Collection method: clinical testing. Allele origin: germline.
Comment: In summary, the available evidence is currently insufficient to determine the role of this variant in disease. Therefore, it has been classified as a Variant of Uncertain Significance. An algorithm developed to predict the effect of missense changes on protein structure and function (PolyPhen-2) suggests that this variant is likely to be tolerated. ClinVar contains an entry for this variant (Variation ID: 945700). This sequence change replaces serine, which is neutral and polar, with proline, which is neutral and non-polar, at codon 117 of the NLRP12 protein (p.Ser117Pro). This variant is present in population databases (no rsID available, gnomAD 0.003%). This variant has not been reported in the literature in individuals affected with NLRP12-related conditions.

NM_144687.4(NLRP12):c.349T>C (p.Ser117Pro)

Gene: NLRP12 (NLR family pyrin domain containing 12; minus strand). Cytogenetic location: 19q13.42.
Variant type: single nucleotide variant.
Coding change: c.349T>C on transcript NM_144687.4 (MANE Select); coding-DNA position 349, T replaced by C.
Protein change: p.Ser117Pro; replaces serine 117 with proline.
Molecular consequence: missense variant.
Genome position (GRCh38, 1-based): chr19:53,814,929, A>G on the plus strand (T>C on the coding strand, the complement: NLRP12 is on the minus strand). VCF-style: chr19-53814929-A-G. GRCh37 (hg19) VCF-style: chr19-54318183-A-G.
Other names: c.349T>C, p.Ser117Pro (NM_001277126.2, NM_001277129.1); short protein forms S117P.
Identifiers: ClinVar variation 945700 (VCV000945700.4), dbSNP rs1290493565, ClinGen allele CA407417638.
Genomic context (GRCh38, chr19:53,814,929, plus strand): 5'-TGTAGATGAATACATGTAGGTACATGGCTTGAGGCTCACCTTTTCTTGGAGTGACAAGAG[A>G]GACTTCCAGAAGGCATGTTGACTGGTTCCCAAGTGAGGACGGGCCACCAGGTGGGGTATC-3'
Protein context (NP_653288.1, residues 107-127): GNQSTCLLEV[Ser117Pro]LVTPRKDPQE